The following is an entry in ClinVar:

NM_001367624.2(ZNF469):c.1813T>C (p.Cys605Arg)

Gene: ZNF469 (zinc finger protein 469; plus strand). Cytogenetic location: 16q24.2.
Variant type: single nucleotide variant.
Coding change: c.1813T>C on transcript NM_001367624.2 (MANE Select); coding-DNA position 1813, T replaced by C.
Protein change: p.Cys605Arg; replaces cysteine 605 with arginine.
Molecular consequence: missense variant.
Genome position (GRCh38, 1-based): chr16:88,429,283, T>C. VCF-style: chr16-88429283-T-C. GRCh37 (hg19) VCF-style: chr16-88495691-T-C.
Other names: short protein forms C605R.
Identifiers: ClinVar variation 1423990 (VCV001423990.6), dbSNP rs1266748679, ClinGen allele CA397068624.
Genomic context (GRCh38, chr16:88,429,283, plus strand): 5'-GGAGCCTCCCCCAGCGAGTCCCCACTGCCGTCACCGGCCACCAACACGGCCGGCAGCACC[T>C]GCTCTTCCCTGTCGCCGATGTCCAGCAGCCCAGCCAACCCCAGCTCAGAGGAAAGCCAGC-3'
Protein context (NP_001354553.1, residues 595-615): SPATNTAGST[Cys605Arg]SSLSPMSSSP

ClinVar aggregate classification (germline): Uncertain significance (1 of 4 stars; one submission).

Submission:

Labcorp Genetics (formerly Invitae), Labcorp
Classification: Uncertain significance. Last evaluated: 2021-11-01. Review status: criteria provided, single submitter. Criteria: Invitae Variant Classification Sherloc (09022015). Collection method: clinical testing. Allele origin: germline.
Comment: Algorithms developed to predict the effect of missense changes on protein structure and function are either unavailable or do not agree on the potential impact of this missense change (SIFT: "Deleterious"; PolyPhen-2: "Probably Damaging"; Align-GVGD: "Class C0"). In summary, the available evidence is currently insufficient to determine the role of this variant in disease. Therefore, it has been classified as a Variant of Uncertain Significance. This variant has not been reported in the literature in individuals affected with ZNF469-related conditions. This variant is not present in population databases (gnomAD no frequency). This sequence change replaces cysteine, which is neutral and slightly polar, with arginine, which is basic and polar, at codon 605 of the ZNF469 protein (p.Cys605Arg).